The following is an entry in ClinVar:

ClinVar aggregate classification (germline): Uncertain significance. Review status: criteria provided, multiple submitters, no conflicts (2 of 4 stars). 2 submissions from 2 submitters: Uncertain significance (2). Last evaluated 2025-11-27.

Conditions:
Inborn genetic diseases. Identifiers: MedGen C0950123, MeSH D030342.

gnomAD v4.1: 9 of 1,614,156 alleles (0.00056%); highest among the groups gnomAD compares: African/African-American, 0.004%; no homozygotes.

Submissions (2):

Labcorp Genetics (formerly Invitae), Labcorp
Classification: Uncertain significance. Last evaluated: 2025-11-27. Review status: criteria provided, single submitter. Criteria: Invitae Variant Classification Sherloc (09022015). Collection method: clinical testing. Allele origin: germline.
Comment: This sequence change replaces valine, which is neutral and non-polar, with isoleucine, which is neutral and non-polar, at codon 389 of the MYO5B protein (p.Val389Ile). This variant is present in population databases (rs781404633, gnomAD 0.007%). This variant has not been reported in the literature in individuals affected with MYO5B-related conditions. ClinVar contains an entry for this variant (Variation ID: 1965482). Invitae Evidence Modeling of protein sequence and biophysical properties (such as structural, functional, and spatial information, amino acid conservation, physicochemical variation, residue mobility, and thermodynamic stability) indicates that this missense variant is not expected to disrupt MYO5B protein function with a negative predictive value of 80%. In summary, the available evidence is currently insufficient to determine the role of this variant in disease. Therefore, it has been classified as a Variant of Uncertain Significance.

Ambry Genetics
Classification: Uncertain significance for Inborn genetic diseases. Last evaluated: 2021-10-29. Review status: criteria provided, single submitter. Criteria: Ambry Variant Classification Scheme 2023. Collection method: clinical testing. Allele origin: germline.

NM_001080467.3(MYO5B):c.1165G>A (p.Val389Ile)

Gene: MYO5B (myosin VB; minus strand). Cytogenetic location: 18q21.1.
Variant type: single nucleotide variant.
Coding change: c.1165G>A on transcript NM_001080467.3 (MANE Select); coding-DNA position 1165, G replaced by A.
Protein change: p.Val389Ile; replaces valine 389 with isoleucine.
Molecular consequence: missense variant.
Genome position (GRCh38, 1-based): chr18:49,974,507, C>T on the plus strand (G>A on the coding strand, the complement: MYO5B is on the minus strand). VCF-style: chr18-49974507-C-T. GRCh37 (hg19) VCF-style: chr18-47500877-C-T.
Other names: short protein forms V389I.
Identifiers: ClinVar variation 1965482 (VCV001965482.6), dbSNP rs781404633, ClinGen allele CA8961624.